The following is an entry in ClinVar:

NM_021098.3(CACNA1H):c.4665C>T (p.Val1555=)

Gene: CACNA1H (calcium voltage-gated channel subunit alpha1 H; plus strand). Cytogenetic location: 16p13.3.
Variant type: single nucleotide variant.
Coding change: c.4665C>T on transcript NM_021098.3 (MANE Select); coding-DNA position 4665, C replaced by T.
Protein change: p.Val1555=; no amino-acid change (valine 1555 retained).
Molecular consequence: synonymous variant.
Genome position (GRCh38, 1-based): chr16:1,212,044, C>T. VCF-style: chr16-1212044-C-T. GRCh37 (hg19) VCF-style: chr16-1262044-C-T.
Other names: c.4665C>T, p.Val1555= (NM_001005407.2); c.4665C>T (NM_021098.2).
Identifiers: ClinVar variation 1117111 (VCV001117111.21), dbSNP rs752944065, ClinGen allele CA7801478.

ClinVar aggregate classification (germline): Likely benign. Review status: criteria provided, multiple submitters, no conflicts (2 of 4 stars). 5 submissions from 5 submitters: Likely benign (4). 1 of the submissions does not count toward it. Last evaluated 2025-07-01.

Conditions:
Epilepsy, childhood absence, susceptibility to, 6. Identifiers: Orphanet 64280, MedGen C2749872, MONDO:0012763, OMIM 611942.
Hyperaldosteronism, familial, type IV (HALD4). Also called: FH IV; ALDOSTERONISM, PRIMARY, AND HYPERTENSION. Identifiers: Orphanet 642671, MedGen C4310756, MONDO:0014875, OMIM 617027.
CACNA1H-related disorder.
Idiopathic generalized epilepsy. Also called: EIG; Generalised epilepsy. Identifiers: MedGen C0270850, MONDO:0005579, OMIM 600669.

gnomAD v4.1: 43 of 1,613,128 alleles (0.0027%); highest among the groups gnomAD compares: Middle Eastern, 0.017%; no homozygotes.

Submissions (5):

CeGaT Center for Human Genetics Tuebingen
Classification: Likely benign. Last evaluated: 2025-07-01. Review status: criteria provided, single submitter. Criteria: CeGaT Center For Human Genetics Tuebingen Variant Classification Criteria Version 2. Collection method: clinical testing. Allele origin: germline. Affected: yes. Observed: 1 variant allele.
Comment: CACNA1H: BS2

Blueprint Genetics
Classification: Likely benign. Last evaluated: 2024-10-17. Review status: criteria provided, single submitter. Criteria: ACMG Guidelines, 2015. Collection method: clinical testing. Allele origin: germline.

Labcorp Genetics (formerly Invitae), Labcorp
Classification: Likely benign for Idiopathic generalized epilepsy; Hyperaldosteronism, familial, type IV. Last evaluated: 2024-10-07. Review status: criteria provided, single submitter. Criteria: Invitae Variant Classification Sherloc (09022015). Collection method: clinical testing. Allele origin: germline.

Fulgent Genetics
Classification: Likely benign for Epilepsy, childhood absence, susceptibility to, 6; Hyperaldosteronism, familial, type IV. Last evaluated: 2022-03-24. Review status: criteria provided, single submitter. Criteria: ACMG Guidelines, 2015. Collection method: clinical testing. Allele origin: unknown.

PreventionGenetics, part of Exact Sciences
Classification: Likely benign for CACNA1H-related condition. Last evaluated: 2019-03-04. Review status: no assertion criteria provided. Collection method: clinical testing. Allele origin: germline. Not counted in ClinVar's aggregate classification.
Comment: This variant is classified as likely benign based on ACMG/AMP sequence variant interpretation guidelines (Richards et al. 2015 PMID: 25741868, with internal and published modifications).